The following is an entry in ClinVar:

ClinVar aggregate classification (germline): Uncertain significance. Review status: criteria provided, multiple submitters, no conflicts (2 of 4 stars). 2 submissions from 2 submitters: Uncertain significance (2). Last evaluated 2025-09-28.

gnomAD v4.1: 32 of 1,612,758 alleles (0.002%); highest among the groups gnomAD compares: Non-Finnish European, 0.0025%; no homozygotes.

Submissions (2):

Labcorp Genetics (formerly Invitae), Labcorp
Classification: Uncertain significance. Last evaluated: 2025-09-28. Review status: criteria provided, single submitter. Criteria: Invitae Variant Classification Sherloc (09022015). Collection method: clinical testing. Allele origin: germline.
Comment: This sequence change falls in intron 19 of the COL4A1 gene. It does not directly change the encoded amino acid sequence of the COL4A1 protein. It affects a nucleotide within the consensus splice site. This variant is not present in population databases (gnomAD no frequency). This variant has not been reported in the literature in individuals affected with COL4A1-related conditions. ClinVar contains an entry for this variant (Variation ID: 1298571). Variants that disrupt the consensus splice site are a relatively common cause of aberrant splicing (PMID: 17576681, 9536098). Algorithms developed to predict the effect of sequence changes on RNA splicing suggest that this variant is not likely to affect RNA splicing. In summary, the available evidence is currently insufficient to determine the role of this variant in disease. Therefore, it has been classified as a Variant of Uncertain Significance.

CeGaT Center for Human Genetics Tuebingen
Classification: Uncertain significance. Last evaluated: 2021-07-01. Review status: criteria provided, single submitter. Criteria: CeGaT Center For Human Genetics Tuebingen Variant Classification Criteria Version 2. Collection method: clinical testing. Allele origin: germline. Affected: yes. Observed: 1 variant allele.

Literature cited by the submitters: PubMed 17576681 (cited by Labcorp Genetics (formerly Invitae), Labcorp); PubMed 9536098 (cited by Labcorp Genetics (formerly Invitae), Labcorp).

NM_001845.6(COL4A1):c.1084+5C>T

Gene: COL4A1 (collagen type IV alpha 1 chain; minus strand). Cytogenetic location: 13q34.
Variant type: single nucleotide variant.
Coding change: c.1084+5C>T on transcript NM_001845.6 (MANE Select); 5 bases into the intron after coding-DNA position 1084, C replaced by T.
Molecular consequence: intron variant.
Genome position (GRCh38, 1-based): chr13:110,201,433, G>A on the plus strand (C>T on the coding strand, the complement: COL4A1 is on the minus strand). VCF-style: chr13-110201433-G-A. GRCh37 (hg19) VCF-style: chr13-110853780-G-A.
Other names: c.1084+5C>T (NM_001303110.2).
Identifiers: ClinVar variation 1298571 (VCV001298571.37), dbSNP rs74508743, ClinGen allele CA2118749485.
Genomic context (GRCh38, chr13:110,201,433, plus strand): 5'-GAGGAAGAGGAGGAGGAGAGAAGGAGGGGGAGTAGGAGGAGGGGGGAAAAAGGCAAGAAA[G>A]CTACCTTTTGGGCCTGGCTCTCCTCTTGGCCCCGGAGTTCCAGGGTAGCCCCTCTCTCCT-3'